The following is an entry in ClinVar:

NM_015559.3(SETBP1):c.1988T>A (p.Ile663Asn)

Gene: SETBP1 (SET binding protein 1; plus strand). Cytogenetic location: 18q12.3.
Variant type: single nucleotide variant.
Coding change: c.1988T>A on transcript NM_015559.3 (MANE Select); coding-DNA position 1988, T replaced by A.
Protein change: p.Ile663Asn; replaces isoleucine 663 with asparagine.
Molecular consequence: missense variant.
Genome position (GRCh38, 1-based): chr18:44,951,328, T>A. VCF-style: chr18-44951328-T-A. GRCh37 (hg19) VCF-style: chr18-42531293-T-A.
Other names: c.1988T>A, p.Ile663Asn (NM_001379141.1, NM_001379142.1, NM_001410862.1); short protein forms I663N.
Identifiers: ClinVar variation 4530791 (VCV004530791.1).
Genomic context (GRCh38, chr18:44,951,328, plus strand): 5'-TGAGCGAGATGAAATTTCACAAGAAAGTTGGAAAGCTCGGCGTGTTGGATAAGAAGACCA[T>A]CAAAACTATCAATAAGATGAAGACACTCAAGAGGAAAAACATCTTGAATCAGATCTTGTC-3'
Protein context (NP_056374.2, residues 653-673): GKLGVLDKKT[Ile663Asn]KTINKMKTLK

ClinVar aggregate classification (germline): Uncertain significance (1 of 4 stars; one submission).

gnomAD v4.1: 1 of 1,613,582 alleles (0.000062%); highest among the groups gnomAD compares: Non-Finnish European, 0.000085%; no homozygotes.

Submission:

GeneDx
Classification: Uncertain significance. Last evaluated: 2025-05-21. Review status: criteria provided, single submitter. Criteria: GeneDx Variant Classification Process June 2021. Collection method: clinical testing. Allele origin: germline. Affected: yes.
Comment: Not observed at significant frequency in large population cohorts (gnomAD); In silico analysis supports that this missense variant has a deleterious effect on protein structure/function; Has not been previously published as pathogenic or benign to our knowledge